The following is an entry in ClinVar:

NM_000268.4(NF2):c.1585A>C (p.Met529Leu)

Gene: NF2 (NF2, moesin-ezrin-radixin like (MERLIN) tumor suppressor; plus strand). Cytogenetic location: 22q12.2.
Variant type: single nucleotide variant.
Coding change: c.1585A>C on transcript NM_000268.4 (MANE Select); coding-DNA position 1585, A replaced by C.
Protein change: p.Met529Leu; replaces methionine 529 with leucine.
Molecular consequence: missense variant. On other transcripts: intron variant (3).
Genome position (GRCh38, 1-based): chr22:29,681,449, A>C. VCF-style: chr22-29681449-A-C. GRCh37 (hg19) VCF-style: chr22-30077438-A-C.
Other names: c.1471A>C, p.Met491Leu (NM_001407053.1, NM_001407056.1); c.1462A>C, p.Met488Leu (NM_001407054.1, NM_001407058.1, NM_181829.3); c.1459A>C, p.Met487Leu (NM_001407055.1, NM_181828.3); c.1450A>C, p.Met484Leu (NM_001407057.1, NM_001407059.1); c.1327A>C, p.Met443Leu (NM_001407062.1); c.1336A>C, p.Met446Leu (NM_001407063.1, NM_181830.3, NM_181831.3); c.1051A>C, p.Met351Leu (NM_001407065.1); c.1585A>C, p.Met529Leu (NM_001407066.1, NM_016418.5, NM_181825.3 and 1 more transcripts); and 4 more; short protein forms M351L, M452L, M487L, M529L, M446L, M443L, M484L, M488L.
Identifiers: ClinVar variation 3404969 (VCV003404969.1).
Genomic context (GRCh38, chr22:29,681,449, plus strand): 5'-TGTCTCACTGTCTGCCCAAGCCCTGATGCATGATACCCTCTTGCCGGCAGAGTGGAATAC[A>C]TGGAAAAGAGCAAGCATCTGCAGGAGCAGCTCAATGAACTCAAGACAGAAATCGAGGCCT-3'
Protein context (NP_000259.1, residues 519-539): MEIEKEKVEY[Met529Leu]EKSKHLQEQL

ClinVar aggregate classification (germline): Uncertain significance (1 of 4 stars; one submission).

Conditions:
Hereditary cancer-predisposing syndrome. Also called: Hereditary Cancer Syndrome; Tumor predisposition; Hereditary neoplastic syndrome; Neoplastic Syndromes, Hereditary. Identifiers: Orphanet 140162, MedGen C0027672, MeSH D009386, MONDO:0015356.

gnomAD v4.1: 1 of 1,614,124 alleles (0.000062%); highest among the groups gnomAD compares: Non-Finnish European, 0.000085%; no homozygotes.

Submission:

Ambry Genetics
Classification: Uncertain significance for Hereditary cancer-predisposing syndrome. Last evaluated: 2024-10-08. Review status: criteria provided, single submitter. Criteria: Ambry Variant Classification Scheme 2023. Collection method: clinical testing. Allele origin: germline.
Comment: The p.M529L variant (also known as c.1585A>C), located in coding exon 15 of the NF2 gene, results from an A to C substitution at nucleotide position 1585. The methionine at codon 529 is replaced by leucine, an amino acid with highly similar properties. This amino acid position is well conserved in available vertebrate species. In addition, this alteration is predicted to be tolerated by in silico analysis. Based on the available evidence, the clinical significance of this variant remains unclear.